The following is an entry in ClinVar:

ClinVar aggregate classification (germline): Uncertain significance (1 of 4 stars; one submission).

Conditions:
Catecholaminergic polymorphic ventricular tachycardia 1. Also called: VENTRICULAR TACHYCARDIA, STRESS-INDUCED POLYMORPHIC 1; VENTRICULAR TACHYCARDIA, CATECHOLAMINERGIC POLYMORPHIC, 1, WITH OR WITHOUT ATRIAL DYSFUNCTION AND/OR DILATED CARDIOMYOPATHY; RYR2-Related Catecholaminergic Polymorphic Ventricular Tachycardia. Identifiers: Orphanet 3286, MedGen C1631597, MONDO:0011484, OMIM 604772.

Submission:

Labcorp Genetics (formerly Invitae), Labcorp
Classification: Uncertain significance for Catecholaminergic polymorphic ventricular tachycardia 1. Last evaluated: 2024-02-16. Review status: criteria provided, single submitter. Criteria: Invitae Variant Classification Sherloc (09022015). Collection method: clinical testing. Allele origin: germline.
Comment: This sequence change replaces lysine, which is basic and polar, with arginine, which is basic and polar, at codon 841 of the RYR2 protein (p.Lys841Arg). This variant is not present in population databases (gnomAD no frequency). This variant has not been reported in the literature in individuals affected with RYR2-related conditions. Advanced modeling of protein sequence and biophysical properties (such as structural, functional, and spatial information, amino acid conservation, physicochemical variation, residue mobility, and thermodynamic stability) performed at Invitae indicates that this missense variant is not expected to disrupt RYR2 protein function with a negative predictive value of 95%. In summary, the available evidence is currently insufficient to determine the role of this variant in disease. Therefore, it has been classified as a Variant of Uncertain Significance.

NM_001035.3(RYR2):c.2522A>G (p.Lys841Arg)

Gene: RYR2 (ryanodine receptor 2; plus strand). Cytogenetic location: 1q43.
Variant type: single nucleotide variant.
Coding change: c.2522A>G on transcript NM_001035.3 (MANE Select); coding-DNA position 2522, A replaced by G.
Protein change: p.Lys841Arg; replaces lysine 841 with arginine.
Molecular consequence: missense variant.
Genome position (GRCh38, 1-based): chr1:237,503,414, A>G. VCF-style: chr1-237503414-A-G. GRCh37 (hg19) VCF-style: chr1-237666714-A-G.
Other names: short protein forms K841R.
Identifiers: ClinVar variation 3611772 (VCV003611772.2).
Genomic context (GRCh38, chr1:237,503,414, plus strand): 5'-CTTGTTATGAAGCTGTTCTGCCAAAAGAAAAGTTGAAAGTGGAACACAGCCGAGAGTACA[A>G]GCAAGAAAGAACTTACACACGCGACCTGCTGGGCCCCACAGTTTCCCTGACGCAAGCTGC-3'
Protein context (NP_001026.2, residues 831-851): KLKVEHSREY[Lys841Arg]QERTYTRDLL